The following is an entry in ClinVar:

NM_000038.6(APC):c.4426G>A (p.Val1476Ile)

Gene: APC (APC regulator of Wnt signaling pathway; plus strand). Cytogenetic location: 5q22.2.
Variant type: single nucleotide variant.
Coding change: c.4426G>A on transcript NM_000038.6 (MANE Select); coding-DNA position 4426, G replaced by A.
Protein change: p.Val1476Ile; replaces valine 1476 with isoleucine.
Molecular consequence: missense variant.
Genome position (GRCh38, 1-based): chr5:112,840,020, G>A. VCF-style: chr5-112840020-G-A. GRCh37 (hg19) VCF-style: chr5-112175717-G-A.
Other names: c.4426G>A, p.Val1476Ile (NM_001127510.3, NM_001354895.2); c.4372G>A, p.Val1458Ile (NM_001127511.3); c.4480G>A, p.Val1494Ile (NM_001354896.2); c.4456G>A, p.Val1486Ile (NM_001354897.2); c.4351G>A, p.Val1451Ile (NM_001354898.2); c.4342G>A, p.Val1448Ile (NM_001354899.2); c.4303G>A, p.Val1435Ile (NM_001354900.2); c.4249G>A, p.Val1417Ile (NM_001354901.2); and 5 more; short protein forms V1350I, V1417I, V1435I, V1448I, V1458I, V1316I, V1476I, V1494I.
Identifiers: ClinVar variation 923282 (VCV000923282.11), dbSNP rs1580647983, ClinGen allele CA16031019.

ClinVar aggregate classification (germline): Uncertain significance. Review status: criteria provided, multiple submitters, no conflicts (2 of 4 stars). 3 submissions from 3 submitters: Uncertain significance (3). Last evaluated 2021-02-12.

Conditions:
Familial adenomatous polyposis 1 (FAP1). Also called: FAMILIAL ADENOMATOUS POLYPOSIS 1, ATTENUATED; POLYPOSIS, ADENOMATOUS INTESTINAL. Identifiers: MedGen C2713442, MONDO:0021056, OMIM 175100. Disease mechanism: loss of function.
Hereditary cancer-predisposing syndrome. Also called: Tumor predisposition; Neoplastic Syndromes, Hereditary; Hereditary neoplastic syndrome; Hereditary Cancer Syndrome. Identifiers: Orphanet 140162, MedGen C0027672, MeSH D009386, MONDO:0015356.

Submissions (3):

Labcorp Genetics (formerly Invitae), Labcorp
Classification: Uncertain significance for Familial adenomatous polyposis 1. Last evaluated: 2021-02-12. Review status: criteria provided, single submitter. Criteria: Invitae Variant Classification Sherloc (09022015). Collection method: clinical testing. Allele origin: germline.
Comment: In summary, the available evidence is currently insufficient to determine the role of this variant in disease. Therefore, it has been classified as a Variant of Uncertain Significance. Algorithms developed to predict the effect of missense changes on protein structure and function (SIFT, PolyPhen-2, Align-GVGD) all suggest that this variant is likely to be tolerated, but these predictions have not been confirmed by published functional studies and their clinical significance is uncertain. This variant has not been reported in the literature in individuals with APC-related conditions. ClinVar contains an entry for this variant (Variation ID: 923282). This variant is not present in population databases (ExAC no frequency). This sequence change replaces valine with isoleucine at codon 1476 of the APC protein (p.Val1476Ile). The valine residue is highly conserved and there is a small physicochemical difference between valine and isoleucine.

Blueprint Genetics
Classification: Uncertain significance. Last evaluated: 2020-10-08. Review status: criteria provided, single submitter. Criteria: ACMG Guidelines, 2015. Collection method: clinical testing. Allele origin: germline.

Color Diagnostics, LLC DBA Color Health
Classification: Uncertain significance for Hereditary cancer-predisposing syndrome. Last evaluated: 2019-01-29. Review status: criteria provided, single submitter. Criteria: ACMG Guidelines, 2015. Collection method: clinical testing. Allele origin: germline.